The following is an entry in ClinVar:

NM_000548.5(TSC2):c.1738G>A (p.Ala580Thr)

Gene: TSC2 (TSC complex subunit 2; plus strand). Cytogenetic location: 16p13.3.
Variant type: single nucleotide variant.
Coding change: c.1738G>A on transcript NM_000548.5 (MANE Select); coding-DNA position 1738, G replaced by A.
Protein change: p.Ala580Thr; replaces alanine 580 with threonine.
Molecular consequence: missense variant.
Genome position (GRCh38, 1-based): chr16:2,070,477, G>A. VCF-style: chr16-2070477-G-A. GRCh37 (hg19) VCF-style: chr16-2120478-G-A.
Other names: c.1738G>A, p.Ala580Thr (NM_001077183.3, NM_001114382.3, NM_001363528.2 and 3 more transcripts); c.1627G>A, p.Ala543Thr (NM_001318827.2); c.1591G>A, p.Ala531Thr (NM_001318829.2); c.1138G>A, p.Ala380Thr (NM_001318831.2); c.1771G>A, p.Ala591Thr (NM_001318832.2); short protein forms A380T, A531T, A591T, A543T, A580T.
Identifiers: ClinVar variation 659231 (VCV000659231.13), dbSNP rs1596336167, ClinGen allele CA394272728.
Genomic context (GRCh38, chr16:2,070,477, plus strand): 5'-ACCTCCTGCGCCGTGGTGAGCTGCGTCCTCTCTCTGCAGACCAAGCTGTACACCCTGCCT[G>A]CAAGCCACGCCACGCGTGTGTATGAGATGCTGGTCAGCCACATTCAGCTCCACTACAAGC-3'
Protein context (NP_000539.2, residues 570-590): ILQTKLYTLP[Ala580Thr]SHATRVYEML

ClinVar aggregate classification (germline): Uncertain significance. Review status: criteria provided, multiple submitters, no conflicts (2 of 4 stars). 2 submissions from 2 submitters: Uncertain significance (2). Last evaluated 2026-07-02.

Conditions:
Tuberous sclerosis 2 (TSC2). Identifiers: Orphanet 805, MedGen C1860707, MONDO:0013199, OMIM 613254.
Hereditary cancer-predisposing syndrome. Also called: Neoplastic Syndromes, Hereditary; Hereditary Cancer Syndrome; Hereditary neoplastic syndrome; Tumor predisposition. Identifiers: Orphanet 140162, MedGen C0027672, MeSH D009386, MONDO:0015356.

Submissions (2):

Ambry Genetics
Classification: Uncertain significance for Hereditary cancer-predisposing syndrome. Last evaluated: 2026-07-02. Review status: criteria provided, single submitter. Criteria: Ambry Variant Classification Scheme 2023. Collection method: clinical testing. Allele origin: germline.

Labcorp Genetics (formerly Invitae), Labcorp
Classification: Uncertain significance for Tuberous sclerosis 2. Last evaluated: 2025-11-17. Review status: criteria provided, single submitter. Criteria: Invitae Variant Classification Sherloc (09022015). Collection method: clinical testing. Allele origin: germline.
Comment: This sequence change replaces alanine, which is neutral and non-polar, with threonine, which is neutral and polar, at codon 580 of the TSC2 protein (p.Ala580Thr). This variant is not present in population databases (gnomAD no frequency). This variant has not been reported in the literature in individuals affected with TSC2-related conditions. ClinVar contains an entry for this variant (Variation ID: 659231). Invitae Evidence Modeling of protein sequence and biophysical properties (such as structural, functional, and spatial information, amino acid conservation, physicochemical variation, residue mobility, and thermodynamic stability) indicates that this missense variant is not expected to disrupt TSC2 protein function with a negative predictive value of 95%. In summary, the available evidence is currently insufficient to determine the role of this variant in disease. Therefore, it has been classified as a Variant of Uncertain Significance.